The following is an entry in ClinVar:

ClinVar aggregate classification (germline): Uncertain significance (1 of 4 stars; one submission).

Submission:

Women's Health and Genetics/Laboratory Corporation of America, LabCorp
Classification: Uncertain significance. Last evaluated: 2025-06-10. Review status: criteria provided, single submitter. Criteria: LabCorp Variant Classification Summary - May 2015. Collection method: clinical testing. Allele origin: germline.
Comment: Variant summary: ACADS c.434G>T (p.Ser145Ile) results in a non-conservative amino acid change in the encoded protein sequence. Algorithms developed to predict the effect of missense changes on protein structure and function all suggest that this variant is likely to be disruptive. The variant allele was found at a frequency of 4e-06 in 251334 control chromosomes. The available data on variant occurrences in the general population are insufficient to allow any conclusion about variant significance. c.434G>T has been observed in at least one individual affected with Deficiency Of Butyryl-CoA Dehydrogenase without evidence of causaliaty (Pedersen_2008). These report(s) do not provide unequivocal conclusions about association of the variant with Deficiency Of Butyryl-CoA Dehydrogenase. At least one publication reports experimental evidence evaluating an impact on protein function, however, does not allow convincing conclusions about the variant effect (Pedersen_2008). The following publication have been ascertained in the context of this evaluation (PMID: 18523805). No submitters have cited clinical-significance assessments for this variant to ClinVar. Based on the evidence outlined above, the variant was classified as uncertain significance.

Literature cited by the submitters: PubMed 18523805.

NM_000017.4(ACADS):c.434G>T (p.Ser145Ile)

Gene: ACADS (acyl-CoA dehydrogenase short chain; plus strand). Cytogenetic location: 12q24.31.
Variant type: single nucleotide variant.
Coding change: c.434G>T on transcript NM_000017.4 (MANE Select); coding-DNA position 434, G replaced by T.
Protein change: p.Ser145Ile; replaces serine 145 with isoleucine.
Molecular consequence: missense variant.
Genome position (GRCh38, 1-based): chr12:120,737,429, G>T. VCF-style: chr12-120737429-G-T. GRCh37 (hg19) VCF-style: chr12-121175232-G-T.
Other names: c.434G>T, p.Ser145Ile (NM_001302554.2); short protein forms S145I.
Identifiers: ClinVar variation 3907225 (VCV003907225.1).